The following is an entry in ClinVar:

ClinVar aggregate classification (germline): Conflicting classifications of pathogenicity. Review status: criteria provided, conflicting classifications (1 of 4 stars). 4 submissions from 4 submitters: Uncertain significance (3); Likely benign (1). Last evaluated 2025-04-25.

Conditions:
Long QT syndrome 12 (LQT12). Identifiers: Orphanet 101016, Orphanet 768, MedGen C2751830, MONDO:0013062, OMIM 612955.
Cardiovascular phenotype. Identifiers: MedGen CN230736.
Long QT syndrome (LQTS). Identifiers: MedGen C0023976, MeSH D008133, MONDO:0002442. Disease mechanism: loss of function. Inheritance: Various modes of inheritance.

Allele frequency attached by ClinVar (database versions not stated): gnomAD 0.00001; TOPMed 0.00002.
gnomAD v4.1: 5 of 1,614,028 alleles (0.00031%); highest among the groups gnomAD compares: Admixed American, 0.0083%; no homozygotes.

Submissions (4):

GeneDx
Classification: Uncertain significance. Last evaluated: 2025-04-25. Review status: criteria provided, single submitter. Criteria: GeneDx Variant Classification Process June 2021. Collection method: clinical testing. Allele origin: germline. Affected: yes.
Comment: In silico analysis supports that this missense variant has a deleterious effect on protein structure/function; Has not been previously published as pathogenic or benign to our knowledge

Ambry Genetics
Classification: Likely benign for Cardiovascular phenotype. Last evaluated: 2024-03-12. Review status: criteria provided, single submitter. Criteria: Ambry Variant Classification Scheme 2023. Collection method: clinical testing. Allele origin: germline.

Labcorp Genetics (formerly Invitae), Labcorp
Classification: Uncertain significance for Long QT syndrome. Last evaluated: 2023-10-10. Review status: criteria provided, single submitter. Criteria: Invitae Variant Classification Sherloc (09022015). Collection method: clinical testing. Allele origin: germline.
Comment: This sequence change replaces glycine, which is neutral and non-polar, with alanine, which is neutral and non-polar, at codon 140 of the SNTA1 protein (p.Gly140Ala). This variant is present in population databases (rs768194552, gnomAD 0.02%). This variant has not been reported in the literature in individuals affected with SNTA1-related conditions. ClinVar contains an entry for this variant (Variation ID: 1502599). Advanced modeling of protein sequence and biophysical properties (such as structural, functional, and spatial information, amino acid conservation, physicochemical variation, residue mobility, and thermodynamic stability) performed at Invitae indicates that this missense variant is not expected to disrupt SNTA1 protein function. In summary, the available evidence is currently insufficient to determine the role of this variant in disease. Therefore, it has been classified as a Variant of Uncertain Significance.

Fulgent Genetics
Classification: Uncertain significance for Long QT syndrome 12. Last evaluated: 2021-11-03. Review status: criteria provided, single submitter. Criteria: ACMG Guidelines, 2015. Collection method: clinical testing. Allele origin: unknown.

NM_003098.3(SNTA1):c.419G>C (p.Gly140Ala)

Gene: SNTA1 (syntrophin alpha 1; minus strand). Cytogenetic location: 20q11.21.
Variant type: single nucleotide variant.
Coding change: c.419G>C on transcript NM_003098.3 (MANE Select); coding-DNA position 419, G replaced by C.
Protein change: p.Gly140Ala; replaces glycine 140 with alanine.
Molecular consequence: missense variant.
Genome position (GRCh38, 1-based): chr20:33,438,918, C>G on the plus strand (G>C on the coding strand, the complement: SNTA1 is on the minus strand). VCF-style: chr20-33438918-C-G. GRCh37 (hg19) VCF-style: chr20-32026724-C-G.
Other names: short protein forms G140A.
Identifiers: ClinVar variation 1502599 (VCV001502599.12), dbSNP rs768194552, ClinGen allele CA9817231.